The following is an entry in ClinVar:

NM_022168.4(IFIH1):c.259G>A (p.Gly87Ser)

Gene: IFIH1 (interferon induced with helicase C domain 1; minus strand). Cytogenetic location: 2q24.2.
Variant type: single nucleotide variant.
Coding change: c.259G>A on transcript NM_022168.4 (MANE Select); coding-DNA position 259, G replaced by A.
Protein change: p.Gly87Ser; replaces glycine 87 with serine.
Molecular consequence: missense variant.
Genome position (GRCh38, 1-based): chr2:162,318,049, C>T on the plus strand (G>A on the coding strand, the complement: IFIH1 is on the minus strand). VCF-style: chr2-162318049-C-T. GRCh37 (hg19) VCF-style: chr2-163174559-C-T.
Other names: short protein forms G87S.
Identifiers: ClinVar variation 2946331 (VCV002946331.3), dbSNP rs2469005841, ClinGen allele CA349013744.

ClinVar aggregate classification (germline): Uncertain significance (1 of 4 stars; one submission).

Conditions:
Singleton-Merten syndrome 1 (SGMRT1). Also called: Widened medullary cavities of bone, aortic calcification, abnormal dentition, and muscular weakness; Syndrome of widened medullary cavities of the metacarpals and phalanges, aortic calcification and abnormal dentition. Identifiers: Orphanet 85191, MedGen C4225427, MONDO:0024535, OMIM 182250.
Aicardi-Goutieres syndrome 7 (AGS7). Identifiers: Orphanet 51, MedGen C3888244, MONDO:0014367, OMIM 615846.

gnomAD v4.1: 3 of 1,614,146 alleles (0.00019%); highest among the groups gnomAD compares: Non-Finnish European, 0.00025%; no homozygotes.

Submission:

Labcorp Genetics (formerly Invitae), Labcorp
Classification: Uncertain significance for Aicardi-Goutieres syndrome 7; Singleton-Merten syndrome 1. Last evaluated: 2024-02-02. Review status: criteria provided, single submitter. Criteria: Invitae Variant Classification Sherloc (09022015). Collection method: clinical testing. Allele origin: germline.
Comment: This sequence change replaces glycine, which is neutral and non-polar, with serine, which is neutral and polar, at codon 87 of the IFIH1 protein (p.Gly87Ser). This variant is not present in population databases (gnomAD no frequency). This variant has not been reported in the literature in individuals affected with IFIH1-related conditions. Advanced modeling of protein sequence and biophysical properties (such as structural, functional, and spatial information, amino acid conservation, physicochemical variation, residue mobility, and thermodynamic stability) has been performed at Invitae for this missense variant, however the output from this modeling did not meet the statistical confidence thresholds required to predict the impact of this variant on IFIH1 protein function. In summary, the available evidence is currently insufficient to determine the role of this variant in disease. Therefore, it has been classified as a Variant of Uncertain Significance.